The following is an entry in ClinVar:

ClinVar aggregate classification (germline): Uncertain significance (1 of 4 stars; one submission).

Submission:

Labcorp Genetics (formerly Invitae), Labcorp
Classification: Uncertain significance. Last evaluated: 2024-01-12. Review status: criteria provided, single submitter. Criteria: Invitae Variant Classification Sherloc (09022015). Collection method: clinical testing. Allele origin: germline.
Comment: This sequence change replaces leucine, which is neutral and non-polar, with valine, which is neutral and non-polar, at codon 400 of the ZNF513 protein (p.Leu400Val). This variant is not present in population databases (gnomAD no frequency). This variant has not been reported in the literature in individuals affected with ZNF513-related conditions. An algorithm developed to predict the effect of missense changes on protein structure and function (PolyPhen-2) suggests that this variant is likely to be tolerated. In summary, the available evidence is currently insufficient to determine the role of this variant in disease. Therefore, it has been classified as a Variant of Uncertain Significance.

NM_144631.6(ZNF513):c.1198C>G (p.Leu400Val)

Gene: ZNF513 (zinc finger protein 513; minus strand). Cytogenetic location: 2p23.3.
Variant type: single nucleotide variant.
Coding change: c.1198C>G on transcript NM_144631.6 (MANE Select); coding-DNA position 1198, C replaced by G.
Protein change: p.Leu400Val; replaces leucine 400 with valine.
Molecular consequence: missense variant.
Genome position (GRCh38, 1-based): chr2:27,377,973, G>C on the plus strand (C>G on the coding strand, the complement: ZNF513 is on the minus strand). VCF-style: chr2-27377973-G-C. GRCh37 (hg19) VCF-style: chr2-27600840-G-C.
Other names: c.1012C>G, p.Leu338Val (NM_001201459.2); short protein forms L400V, L338V.
Identifiers: ClinVar variation 2801545 (VCV002801545.3), dbSNP rs1683418459, ClinGen allele CA346214978.